The following is an entry in ClinVar:

NM_000169.3(GLA):c.611_612insTATAAGAGACAGT (p.Trp204fs)

Genes: GLA (galactosidase alpha; minus strand), RPL36A-HNRNPH2 (RPL36A-HNRNPH2 readthrough; plus strand). Cytogenetic location: Xq22.1.
Variant type: Insertion.
Coding change: c.611_612insTATAAGAGACAGT on transcript NM_000169.3 (MANE Select); coding-DNA positions 611 to 612, TATAAGAGACAGT inserted.
Protein change: p.Trp204fs; shifts the reading frame from tryptophan 204.
Molecular consequence: frameshift variant. On other transcripts: non-coding transcript variant (2), intron variant (2).
Genome position: GRCh38 VCF-style: chrX-101400693-C-CACTGTCTCTTATA. GRCh37 (hg19) VCF-style: chrX-100655681-C-CACTGTCTCTTATA.
Other names: c.734_735insTATAAGAGACAGT, p.Trp245fs (NM_001406747.1); c.611_612insTATAAGAGACAGT, p.Trp204fs (NM_001406748.1); c.300+5236_300+5237insACTGTCTCTTATA (NM_001199973.2); c.177+8871_177+8872insACTGTCTCTTATA (NM_001199974.2); short protein forms W204fs, W245fs.
Identifiers: ClinVar variation 5011646 (VCV005011646.1).

ClinVar aggregate classification (germline): Pathogenic (1 of 4 stars; one submission).

Conditions:
Fabry disease. Also called: ALPHA-GALACTOSIDASE A DEFICIENCY; ANDERSON-FABRY DISEASE; CERAMIDE TRIHEXOSIDASE DEFICIENCY; GLA DEFICIENCY; HEREDITARY DYSTOPIC LIPIDOSIS; Angiokeratoma corporis diffusum. Identifiers: Orphanet 324, MedGen C0002986, MONDO:0010526, OMIM 301500, HP:0001071. Disease mechanism: Fabry disease is due to inactivating mutations in the X-linked GLA gene resulting in deficiency of the enzyme Alpha Galactosidase-A., loss of function.

Submission:

Myriad Genetics, Inc.
Classification: Pathogenic for Fabry disease. Last evaluated: 2023-09-11. Review status: criteria provided, single submitter. Criteria: Myriad Autosomal Dominant, Autosomal Recessive and X-Linked Classification Criteria (2023). Collection method: clinical testing. Allele origin: unknown.
Comment: NM_000169.2(GLA):c.611_612ins13(W204Cfs*32) is expected to be pathogenic in the context of Fabry disease. This variant is predicted to lead to an abnormal or absent protein product due to the creation of a premature termination codon in GLA, a gene where loss-of-function variants are known to be pathogenic. Please note: this variant was assessed in the context of healthy population screening.